The following is an entry in ClinVar:

NM_004982.4(KCNJ8):c.1174A>G (p.Met392Val)

Genes: KCNJ8 (potassium inwardly rectifying channel subfamily J member 8; minus strand), KCNJ8-AS1 (KCNJ8 antisense RNA 1; plus strand). Cytogenetic location: 12p12.1.
Variant type: single nucleotide variant.
Coding change: c.1174A>G on transcript NM_004982.4 (MANE Select); coding-DNA position 1174, A replaced by G.
Protein change: p.Met392Val; replaces methionine 392 with valine.
Molecular consequence: missense variant.
Genome position (GRCh38, 1-based): chr12:21,765,824, T>C on the plus strand (A>G on the coding strand, the complement: KCNJ8 is on the minus strand). VCF-style: chr12-21765824-T-C. GRCh37 (hg19) VCF-style: chr12-21918758-T-C.
Identifiers: ClinVar variation 1740265 (VCV001740265.2), dbSNP rs1308741789, ClinGen allele CA384121391.
Genomic context (GRCh38, chr12:21,765,824, plus strand): 5'-ATTGCACCTTTGGTACCATGAGGGAAGAATTGTTCCTTCGGATAGAATTGTTCCTCCTCA[T>C]GGAATTGTTTCTTCTCATGGAGTTGCGCTTCCTCAGAGAATTTTGATGAGACAGTTCACT-3'
Protein context (NP_004973.1, residues 382-402): KRNSMRRNNS[Met392Val]RRNNSIRRNN

ClinVar aggregate classification (germline): Uncertain significance (1 of 4 stars; one submission).

Conditions:
Cardiovascular phenotype. Identifiers: MedGen CN230736.

Allele frequency attached by ClinVar (database versions not stated): gnomAD exomes below 0.00001; gnomAD 0.00001; TOPMed 0.00001.

Submission:

Ambry Genetics
Classification: Uncertain significance for Cardiovascular phenotype. Last evaluated: 2022-05-27. Review status: criteria provided, single submitter. Criteria: Ambry Variant Classification Scheme 2023. Collection method: clinical testing. Allele origin: germline.
Comment: The p.M392V variant (also known as c.1174A>G), located in coding exon 2 of the KCNJ8 gene, results from an A to G substitution at nucleotide position 1174. The methionine at codon 392 is replaced by valine, an amino acid with highly similar properties. This amino acid position is conserved. In addition, this alteration is predicted to be tolerated by in silico analysis. Since supporting evidence is limited at this time, the clinical significance of this alteration remains unclear.